The following is an entry in ClinVar:

NM_181882.3(PRX):c.3559G>C (p.Val1187Leu)

Gene: PRX (periaxin; minus strand). Cytogenetic location: 19q13.2.
Variant type: single nucleotide variant.
Coding change: c.3559G>C on transcript NM_181882.3 (MANE Select); coding-DNA position 3559, G replaced by C.
Protein change: p.Val1187Leu; replaces valine 1187 with leucine.
Molecular consequence: missense variant. On other transcripts: 3 prime UTR variant (1).
Genome position (GRCh38, 1-based): chr19:40,394,793, C>G on the plus strand (G>C on the coding strand, the complement: PRX is on the minus strand). VCF-style: chr19-40394793-C-G. GRCh37 (hg19) VCF-style: chr19-40900700-C-G.
Other names: c.3844G>C, p.Val1282Leu (NM_001411127.1); c.*3764G>C (NM_020956.2); short protein forms V1187L, V1282L.
Identifiers: ClinVar variation 1732667 (VCV001732667.2), dbSNP rs374918255, ClinGen allele CA9443832.
Genomic context (GRCh38, chr19:40,394,793, plus strand): 5'-CCACCAGCAGCTCACCACCTGCAACCTGGGCTCCAGGCAGAGACAGGGTCACCTGGGGCA[C>G]CTGAACCCTGTAGCCTGCTGTGCCCTCTGCTGAAGGGACTGTACTCTGAGCCTGCTGCCC-3'
Protein context (NP_870998.2, residues 1177-1197): AEGTAGYRVQ[Val1187Leu]PQVTLSLPGA

ClinVar aggregate classification (germline): Uncertain significance (1 of 4 stars; one submission).

Conditions:
Inborn genetic diseases. Identifiers: MedGen C0950123, MeSH D030342.

Allele frequency attached by ClinVar (database versions not stated): ExAC 0.00001; gnomAD 0.00001; TOPMed 0.00001; ESP Exome Variant Server 0.00008.
gnomAD v4.1: 4 of 1,613,542 alleles (0.00025%); highest among the groups gnomAD compares: Non-Finnish European, 0.00034%; no homozygotes.

Submission:

Ambry Genetics
Classification: Uncertain significance for Inborn genetic diseases. Last evaluated: 2019-11-27. Review status: criteria provided, single submitter. Criteria: Ambry Variant Classification Scheme 2023. Collection method: clinical testing. Allele origin: germline.
Comment: The p.V1187L variant (also known as c.3559G>C), located in coding exon 4 of the PRX gene, results from a G to C substitution at nucleotide position 3559. The valine at codon 1187 is replaced by leucine, an amino acid with highly similar properties. This amino acid position is not well conserved in available vertebrate species, and leucine is the reference amino acid in other vertebrate species. In addition, this alteration is predicted to be tolerated by in silico analysis. Since supporting evidence is limited at this time, the clinical significance of this alteration remains unclear.